The following is an entry in ClinVar:

NM_018192.4(P3H2):c.1415C>T (p.Ser472Leu)

Gene: P3H2 (prolyl 3-hydroxylase 2; minus strand). Cytogenetic location: 3q28.
Variant type: single nucleotide variant.
Coding change: c.1415C>T on transcript NM_018192.4 (MANE Select); coding-DNA position 1415, C replaced by T.
Protein change: p.Ser472Leu; replaces serine 472 with leucine.
Molecular consequence: missense variant.
Genome position (GRCh38, 1-based): chr3:189,974,595, G>A on the plus strand (C>T on the coding strand, the complement: P3H2 is on the minus strand). VCF-style: chr3-189974595-G-A. GRCh37 (hg19) VCF-style: chr3-189692384-G-A.
Other names: c.872C>T, p.Ser291Leu (NM_001134418.2); short protein forms S291L, S472L.
Identifiers: ClinVar variation 1930262 (VCV001930262.4), dbSNP rs777721300, ClinGen allele CA2752940.

ClinVar aggregate classification (germline): Uncertain significance. Review status: criteria provided, multiple submitters, no conflicts (2 of 4 stars). 2 submissions from 2 submitters: Uncertain significance (2). Last evaluated 2022-07-06.

Allele frequency attached by ClinVar (database versions not stated): gnomAD 0.00002; TOPMed 0.00002.
gnomAD v4.1: 50 of 1,613,982 alleles (0.0031%); highest among the groups gnomAD compares: East Asian, 0.0089%; no homozygotes.

Submissions (2):

Labcorp Genetics (formerly Invitae), Labcorp
Classification: Uncertain significance. Last evaluated: 2022-07-06. Review status: criteria provided, single submitter. Criteria: Invitae Variant Classification Sherloc (09022015). Collection method: clinical testing. Allele origin: germline.
Comment: In summary, the available evidence is currently insufficient to determine the role of this variant in disease. Therefore, it has been classified as a Variant of Uncertain Significance. Algorithms developed to predict the effect of missense changes on protein structure and function are either unavailable or do not agree on the potential impact of this missense change (SIFT: "Deleterious"; PolyPhen-2: "Benign"; Align-GVGD: "Class C25"). This variant has not been reported in the literature in individuals affected with P3H2-related conditions. The frequency data for this variant in the population databases is considered unreliable, as metrics indicate poor data quality at this position in the gnomAD database. This sequence change replaces serine, which is neutral and polar, with leucine, which is neutral and non-polar, at codon 472 of the P3H2 protein (p.Ser472Leu).

Blueprint Genetics
Classification: Uncertain significance. Last evaluated: 2022-05-16. Review status: criteria provided, single submitter. Criteria: ACMG Guidelines, 2015. Collection method: clinical testing. Allele origin: germline.